The following is an entry in ClinVar:

ClinVar aggregate classification (germline): Uncertain significance. Review status: criteria provided, multiple submitters, no conflicts (2 of 4 stars). 3 submissions from 3 submitters: Uncertain significance (3). Last evaluated 2026-09-12.

Conditions:
Aortic aneurysm, familial thoracic 7 (AAT7). Also called: AORTIC DISSECTION, FAMILIAL, WITH OR WITHOUT AORTIC ANEURYSM. Identifiers: MedGen C3151077, MONDO:0013418, OMIM 613780.
Megacystis-microcolon-intestinal hypoperistalsis syndrome 1. Identifiers: MedGen C5542316, MONDO:0100354, OMIM 249210.
Familial thoracic aortic aneurysm and aortic dissection (TAAD). Also called: Thoracic aortic aneurysms and dissections. Identifiers: Orphanet 91387, MedGen C4707243, MONDO:0019625.

Allele frequency attached by ClinVar (database versions not stated): gnomAD exomes below 0.00001; TOPMed 0.00002; gnomAD 0.00003.
gnomAD v4.1: 5 of 1,614,074 alleles (0.00031%); highest among the groups gnomAD compares: African/African-American, 0.0067%; no homozygotes.

Submissions (3):

Ambry Genetics
Classification: Uncertain significance for Familial thoracic aortic aneurysm and aortic dissection. Last evaluated: 2026-09-12. Review status: criteria provided, single submitter. Criteria: Ambry Variant Classification Scheme 2023. Collection method: clinical testing. Allele origin: germline.
Comment: The p.Q1279R variant (also known as c.3836A>G), located in coding exon 20 of the MYLK gene, results from an A to G substitution at nucleotide position 3836. The glutamine at codon 1279 is replaced by arginine, an amino acid with highly similar properties. This amino acid position is conserved. In addition, this alteration is predicted to be tolerated by in silico analysis. Based on the available evidence, the clinical significance of this variant remains unclear.

Fulgent Genetics
Classification: Uncertain significance for Megacystis-microcolon-intestinal hypoperistalsis syndrome 1; Aortic aneurysm, familial thoracic 7. Last evaluated: 2021-08-06. Review status: criteria provided, single submitter. Criteria: ACMG Guidelines, 2015. Collection method: clinical testing. Allele origin: unknown.

Labcorp Genetics (formerly Invitae), Labcorp
Classification: Uncertain significance for Aortic aneurysm, familial thoracic 7. Last evaluated: 2017-09-15. Review status: criteria provided, single submitter. Criteria: Invitae Variant Classification Sherloc (09022015). Collection method: clinical testing. Allele origin: germline.
Comment: In summary, the available evidence is currently insufficient to determine the role of this variant in disease. Therefore, it has been classified as a Variant of Uncertain Significance. Algorithms developed to predict the effect of missense changes on protein structure and function do not agree on the potential impact of this missense change (SIFT: "Deleterious"; PolyPhen-2: "Benign"; Align-GVGD: "Class C35"). This variant has not been reported in the literature in individuals with MYLK-related disease. This variant is not present in population databases (ExAC no frequency). This sequence change replaces glutamine with arginine at codon 1279 of the MYLK protein (p.Gln1279Arg). The glutamine residue is highly conserved and there is a small physicochemical difference between glutamine and arginine.

NM_053025.4(MYLK):c.3836A>G (p.Gln1279Arg)

Gene: MYLK (myosin light chain kinase; minus strand). Cytogenetic location: 3q21.1.
Variant type: single nucleotide variant.
Coding change: c.3836A>G on transcript NM_053025.4 (MANE Select); coding-DNA position 3836, A replaced by G.
Protein change: p.Gln1279Arg; replaces glutamine 1279 with arginine.
Molecular consequence: missense variant.
Genome position (GRCh38, 1-based): chr3:123,664,254, T>C on the plus strand (A>G on the coding strand, the complement: MYLK is on the minus strand). VCF-style: chr3-123664254-T-C. GRCh37 (hg19) VCF-style: chr3-123383101-T-C.
Other names: c.3308A>G, p.Gln1103Arg (NM_001321309.2); c.3629A>G, p.Gln1210Arg (NM_053026.4, NM_053028.4); c.3836A>G, p.Gln1279Arg (NM_053027.4); short protein forms Q1279R, Q1210R, Q1103R.
Identifiers: ClinVar variation 539089 (VCV000539089.11), dbSNP rs956816227, ClinGen allele CA82929153.
Genomic context (GRCh38, chr3:123,664,254, plus strand): 5'-GCCAGGATGGTGAGCTTGCTGCCATTCTCGCTGTTCTCCACCTTCATGTGCTCGCTTTCC[T>C]GGATCTAGGGGCGGAGGATGGAGCAGGTGCTGGAGCCTTGGGCCCCTGGGCTAGGAAAGG-3'
Protein context (NP_444253.3, residues 1269-1289): CTWMKFRKQI[Gln1279Arg]ESEHMKVENS